The following is an entry in ClinVar:

ClinVar aggregate classification (germline): Uncertain significance. Review status: criteria provided, multiple submitters, no conflicts (2 of 4 stars). 3 submissions from 3 submitters: Uncertain significance (3). Last evaluated 2021-08-28.

Allele frequency attached by ClinVar (database versions not stated): TOPMed below 0.00001; ESP Exome Variant Server 0.00008; gnomAD exomes 0.00003 and 0.00001; ExAC 0.00003.
gnomAD v4.1: 19 of 1,614,104 alleles (0.0012%); highest among the groups gnomAD compares: Non-Finnish European, 0.0016%; no homozygotes.

Submissions (3):

Labcorp Genetics (formerly Invitae), Labcorp
Classification: Uncertain significance. Last evaluated: 2021-08-28. Review status: criteria provided, single submitter. Criteria: Invitae Variant Classification Sherloc (09022015). Collection method: clinical testing. Allele origin: germline.
Comment: This sequence change replaces valine with alanine at codon 552 of the ABCA4 protein (p.Val552Ala). The valine residue is highly conserved and there is a small physicochemical difference between valine and alanine. This variant is present in population databases (rs141864243, ExAC 0.006%). This variant has not been reported in the literature in individuals affected with ABCA4-related conditions. Algorithms developed to predict the effect of missense changes on protein structure and function (SIFT, PolyPhen-2, Align-GVGD) all suggest that this variant is likely to be disruptive. In summary, the available evidence is currently insufficient to determine the role of this variant in disease. Therefore, it has been classified as a Variant of Uncertain Significance.

Blueprint Genetics
Classification: Uncertain significance. Last evaluated: 2019-09-13. Review status: criteria provided, single submitter. Criteria: ACMG Guidelines, 2015. Collection method: clinical testing. Allele origin: germline.

GeneDx
Classification: Uncertain significance. Last evaluated: 2019-04-05. Review status: criteria provided, single submitter. Criteria: GeneDx Variant Classification Process June 2021. Collection method: clinical testing. Allele origin: germline. Affected: yes.
Comment: In silico analysis, which includes protein predictors and evolutionary conservation, supports a deleterious effect; Has not been previously published as pathogenic or benign to our knowledge

NM_000350.3(ABCA4):c.1655T>C (p.Val552Ala)

Gene: ABCA4 (ATP binding cassette subfamily A member 4; minus strand). Cytogenetic location: 1p22.1.
Variant type: single nucleotide variant.
Coding change: c.1655T>C on transcript NM_000350.3 (MANE Select); coding-DNA position 1655, T replaced by C.
Protein change: p.Val552Ala; replaces valine 552 with alanine.
Molecular consequence: missense variant.
Genome position (GRCh38, 1-based): chr1:94,063,217, A>G on the plus strand (T>C on the coding strand, the complement: ABCA4 is on the minus strand). VCF-style: chr1-94063217-A-G. GRCh37 (hg19) VCF-style: chr1-94528773-A-G.
Other names: c.1655T>C, p.Val552Ala (NM_001425324.1); short protein forms V552A.
Identifiers: ClinVar variation 934597 (VCV000934597.9), dbSNP rs141864243, ClinGen allele CA958458.
Genomic context (GRCh38, chr1:94,063,217, plus strand): 5'-CGGATCTTATACTTCACGTGGGGTGGTAGAGAGCTGGTCCAGGGATACATGTCAGGGAAT[A>G]CCACTCCGGCCCAGAACATGTTTTCCTCCAGTAGAGAGAGGGCACGTTGGGTGAGCTGAG-3'
Protein context (NP_000341.2, residues 542-562): LEENMFWAGV[Val552Ala]FPDMYPWTSS